The following is an entry in ClinVar:

ClinVar aggregate classification (germline): Uncertain significance (1 of 4 stars; one submission).

Conditions:
Evans syndrome, immunodeficiency, and premature immunosenescence associated with tripeptidyl-peptidase II deficiency. Identifiers: MedGen CN231723. Disease mechanism: loss of function.

Submission:

Labcorp Genetics (formerly Invitae), Labcorp
Classification: Uncertain significance for Evans syndrome, immunodeficiency, and premature immunosenescence associated with tripeptidyl-peptidase II deficiency. Last evaluated: 2019-10-27. Review status: criteria provided, single submitter. Criteria: Invitae Variant Classification Sherloc (09022015). Collection method: clinical testing. Allele origin: germline.
Comment: This variant has not been reported in the literature in individuals with TPP2-related conditions. This sequence change replaces cysteine with arginine at codon 710 of the TPP2 protein (p.Cys710Arg). The cysteine residue is moderately conserved and there is a large physicochemical difference between cysteine and arginine. This variant is not present in population databases (ExAC no frequency). Algorithms developed to predict the effect of missense changes on protein structure and function (SIFT, PolyPhen-2, Align-GVGD) all suggest that this variant is likely to be tolerated, but these predictions have not been confirmed by published functional studies and their clinical significance is uncertain. In summary, the available evidence is currently insufficient to determine the role of this variant in disease. Therefore, it has been classified as a Variant of Uncertain Significance.

NM_001330588.2(TPP2):c.2128T>C (p.Cys710Arg)

Gene: TPP2 (tripeptidyl peptidase 2; plus strand). Cytogenetic location: 13q33.1.
Variant type: single nucleotide variant.
Coding change: c.2128T>C on transcript NM_001330588.2 (MANE Select); coding-DNA position 2128, T replaced by C.
Protein change: p.Cys710Arg; replaces cysteine 710 with arginine.
Molecular consequence: missense variant. On other transcripts: non-coding transcript variant (1).
Genome position (GRCh38, 1-based): chr13:102,643,329, T>C. VCF-style: chr13-102643329-T-C. GRCh37 (hg19) VCF-style: chr13-103295679-T-C.
Other names: c.2128T>C, p.Cys710Arg (NM_001367947.1, NM_003291.4); short protein forms C710R.
Identifiers: ClinVar variation 961221 (VCV000961221.9), dbSNP rs1882891727, ClinGen allele CA388494642.
Genomic context (GRCh38, chr13:102,643,329, plus strand): 5'-CTACATGCAGTCCAGCTTGTGAAGCAAAGAGCATATCGAAGCCATGAATTCTATAAGTTT[T>C]GTTCTCTTCCAGAGAAAGGAACACTGACTGAAGCTTTTCCTGTCCTAGTAAGTTTAATTA-3'
Protein context (NP_001317517.1, residues 700-720): AYRSHEFYKF[Cys710Arg]SLPEKGTLTE